The following is an entry in ClinVar:

NM_020435.4(GJC2):c.454GAG[8] (p.Glu158dup)

Gene: GJC2 (gap junction protein gamma 2; plus strand). Cytogenetic location: 1q42.13.
Variant type: Microsatellite.
Coding change: c.454GAG[8] on transcript NM_020435.4 (MANE Select); eight copies in a row of the 3-base unit GAG starting at c.454; the reference has seven copies in a row; one copy, 3 bases duplicated.
Protein change: p.Glu158dup; duplicates glutamic acid 158.
Molecular consequence: inframe insertion.
Genome position (GRCh38, 1-based): chr1:228,158,230-228,158,232, GAG duplicated; duplicating any 3 consecutive bases within chr1:228,158,212-228,158,232 gives the same sequence; the position shown is the placement nearest the transcript's 3' end. VCF-style (leftmost placement, unchanged base first): chr1-228158211-C-CGAG. GRCh37 (hg19) VCF-style: chr1-228345912-C-CGAG.
Identifiers: ClinVar variation 241297 (VCV000241297.12), dbSNP rs746050475, ClinGen allele CA10581766.
Genomic context (GRCh38, chr1:228,158,211, plus strand): 5'-GCACGCCGGCTGGCCTGAGCCCGCCGACCTGGGCGAGGAGGAGCCCATGCTGGGCCTGGG[C>CGAG]GAGGAGGAGGAGGAGGAGGAGACGGGGGCAGCCGAGGGCGCCGGCGAGGAAGCGGAGGAG-3'

ClinVar aggregate classification (germline): Uncertain significance. Review status: criteria provided, multiple submitters, no conflicts (2 of 4 stars). 3 submissions from 3 submitters: Uncertain significance (3). Last evaluated 2025-12-19.

Conditions:
Spastic paraplegia. Identifiers: MedGen C0037772, HP:0001258.
Hereditary spastic paraplegia. Also called: Familial spastic paraparesis. Identifiers: Orphanet 685, MedGen C0037773, MONDO:0019064. Disease mechanism: loss of function.

Submissions (3):

Labcorp Genetics (formerly Invitae), Labcorp
Classification: Uncertain significance for Spastic paraplegia. Last evaluated: 2025-12-19. Review status: criteria provided, single submitter. Criteria: Invitae Variant Classification Sherloc (09022015). Collection method: clinical testing. Allele origin: germline.
Comment: This variant, c.472_474dup, results in the insertion of 1 amino acid(s) of the GJC2 protein (p.Glu158dup), but otherwise preserves the integrity of the reading frame. This variant is present in population databases (no rsID available, gnomAD 0.04%). This variant has not been reported in the literature in individuals affected with GJC2-related conditions. Experimental studies and prediction algorithms are not available or were not evaluated, and the functional significance of this variant is currently unknown. In summary, the available evidence is currently insufficient to determine the role of this variant in disease. Therefore, it has been classified as a Variant of Uncertain Significance.

Blueprint Genetics
Classification: Uncertain significance. Last evaluated: 2024-04-24. Review status: criteria provided, single submitter. Criteria: ACMG Guidelines, 2015. Collection method: clinical testing. Allele origin: germline.

Genome Diagnostics Laboratory, The Hospital for Sick Children
Classification: Uncertain significance for Hereditary spastic paraplegia. Last evaluated: 2017-06-27. Review status: criteria provided, single submitter. Criteria: ACMG Guidelines, 2015. Collection method: clinical testing. Allele origin: germline. Affected: yes.